The following is an entry in ClinVar:

ClinVar aggregate classification (germline): Uncertain significance (1 of 4 stars; one submission).

Conditions:
Nephronophthisis 15 (NPHP15). Identifiers: Orphanet 3156, MedGen C3541853, MONDO:0013917, OMIM 614845.

Allele frequency attached by ClinVar (database versions not stated): gnomAD exomes 0.00001.
gnomAD v4.1: 21 of 1,614,246 alleles (0.0013%); highest among the groups gnomAD compares: Non-Finnish European, 0.0017%; no homozygotes.

Submission:

Labcorp Genetics (formerly Invitae), Labcorp
Classification: Uncertain significance for Nephronophthisis 15. Last evaluated: 2022-09-26. Review status: criteria provided, single submitter. Criteria: Invitae Variant Classification Sherloc (09022015). Collection method: clinical testing. Allele origin: germline.
Comment: This sequence change replaces glutamine, which is neutral and polar, with glutamic acid, which is acidic and polar, at codon 1128 of the CEP164 protein (p.Gln1128Glu). This variant is not present in population databases (gnomAD no frequency). This variant has not been reported in the literature in individuals affected with CEP164-related conditions. ClinVar contains an entry for this variant (Variation ID: 1405660). Advanced modeling of protein sequence and biophysical properties (such as structural, functional, and spatial information, amino acid conservation, physicochemical variation, residue mobility, and thermodynamic stability) has been performed at Invitae for this missense variant, however the output from this modeling did not meet the statistical confidence thresholds required to predict the impact of this variant on CEP164 protein function. In summary, the available evidence is currently insufficient to determine the role of this variant in disease. Therefore, it has been classified as a Variant of Uncertain Significance.

NM_014956.5(CEP164):c.3382C>G (p.Gln1128Glu)

Gene: CEP164 (centrosomal protein 164; plus strand). Cytogenetic location: 11q23.3.
Variant type: single nucleotide variant.
Coding change: c.3382C>G on transcript NM_014956.5 (MANE Select); coding-DNA position 3382, C replaced by G.
Protein change: p.Gln1128Glu; replaces glutamine 1128 with glutamic acid.
Molecular consequence: missense variant.
Genome position (GRCh38, 1-based): chr11:117,397,194, C>G. VCF-style: chr11-117397194-C-G. GRCh37 (hg19) VCF-style: chr11-117267910-C-G.
Other names: c.3391C>G, p.Gln1131Glu (NM_001271933.2); short protein forms Q1131E, Q1128E.
Identifiers: ClinVar variation 1405660 (VCV001405660.6), dbSNP rs2136502331, ClinGen allele CA382735944.